The following is an entry in ClinVar:

ClinVar aggregate classification (germline): Uncertain significance (1 of 4 stars; one submission).

Conditions:
Congenital disorder of glycosylation, type Iaa. Also called: Congenital disorder of glycosylation, type 1aa. Identifiers: MedGen C4310727, MONDO:0014904, OMIM 617082.

Allele frequency attached by ClinVar (database versions not stated): TOPMed 0.00002.
gnomAD v4.1: 2 of 1,562,898 alleles (0.00013%); highest among the groups gnomAD compares: African/African-American, 0.0027%; no homozygotes.

Submission:

Labcorp Genetics (formerly Invitae), Labcorp
Classification: Uncertain significance for Congenital disorder of glycosylation, type Iaa. Last evaluated: 2023-08-04. Review status: criteria provided, single submitter. Criteria: Invitae Variant Classification Sherloc (09022015). Collection method: clinical testing. Allele origin: germline.
Comment: This sequence change replaces arginine, which is basic and polar, with cysteine, which is neutral and slightly polar, at codon 42 of the NUS1 protein (p.Arg42Cys). This variant is not present in population databases (gnomAD no frequency). This variant has not been reported in the literature in individuals affected with NUS1-related conditions. An algorithm developed to predict the effect of missense changes on protein structure and function (PolyPhen-2) suggests that this variant is likely to be tolerated. In summary, the available evidence is currently insufficient to determine the role of this variant in disease. Therefore, it has been classified as a Variant of Uncertain Significance.

NM_138459.5(NUS1):c.124C>T (p.Arg42Cys)

Gene: NUS1 (NUS1 dehydrodolichyl diphosphate synthase subunit; plus strand). Cytogenetic location: 6q22.1.
Variant type: single nucleotide variant.
Coding change: c.124C>T on transcript NM_138459.5 (MANE Select); coding-DNA position 124, C replaced by T.
Protein change: p.Arg42Cys; replaces arginine 42 with cysteine.
Molecular consequence: missense variant.
Genome position (GRCh38, 1-based): chr6:117,675,794, C>T. VCF-style: chr6-117675794-C-T. GRCh37 (hg19) VCF-style: chr6-117996957-C-T.
Other names: short protein forms R42C.
Identifiers: ClinVar variation 2889854 (VCV002889854.3), dbSNP rs1288388432, ClinGen allele CA365535954.
Genomic context (GRCh38, chr6:117,675,794, plus strand): 5'-CTCACCTCCTGGCTCCGCGTTCGGTTCGGCACCTGGAACTGGATCTGGCGGCGCTGCTGC[C>T]GCGCCGCCTCTGCCGCGGTCCTAGCGCCGCTCGGCTTCACGCTCCGCAAGCCCCCGGCAG-3'
Protein context (NP_612468.1, residues 32-52): TWNWIWRRCC[Arg42Cys]AASAAVLAPL